The following is an entry in ClinVar:

NM_001127208.3(TET2):c.2092G>A (p.Val698Met)

Genes: TET2 (tet methylcytosine dioxygenase 2; plus strand), TET2-AS1 (TET2 antisense RNA 1; minus strand). Cytogenetic location: 4q24.
Variant type: single nucleotide variant.
Coding change: c.2092G>A on transcript NM_001127208.3 (MANE Select); coding-DNA position 2092, G replaced by A.
Protein change: p.Val698Met; replaces valine 698 with methionine.
Molecular consequence: missense variant.
Genome position (GRCh38, 1-based): chr4:105,236,034, G>A. VCF-style: chr4-105236034-G-A. GRCh37 (hg19) VCF-style: chr4-106157191-G-A.
Other names: c.2092G>A, p.Val698Met (NM_017628.4); short protein forms V698M.
Identifiers: ClinVar variation 4182943 (VCV004182943.1).
Genomic context (GRCh38, chr4:105,236,034, plus strand): 5'-GGCACTAGATTTCATTTTCAACAAAGAGCAGATTCCCAAACTGAAAAACTTATGTCCCCA[G>A]TGTTGAAACAGCACTTGAATCAACAGGCTTCAGAGACTGAGCCATTTTCAAACTCACACC-3'
Protein context (NP_001120680.1, residues 688-708): DSQTEKLMSP[Val698Met]LKQHLNQQAS

ClinVar aggregate classification (germline): Uncertain significance (1 of 4 stars; one submission).

Submission:

Ambry Genetics
Classification: Uncertain significance. Last evaluated: 2025-07-03. Review status: criteria provided, single submitter. Criteria: Ambry Variant Classification Scheme 2023. Collection method: clinical testing. Allele origin: germline.
Comment: The p.V698M variant (also known as c.2092G>A), located in coding exon 1 of the TET2 gene, results from a G to A substitution at nucleotide position 2092. The valine at codon 698 is replaced by methionine, an amino acid with highly similar properties. This amino acid position is conserved. In addition, this alteration is predicted to be tolerated by in silico analysis. Based on the available evidence, the clinical significance of this variant remains unclear.